The following is an entry in ClinVar:

ClinVar aggregate classification (germline): Likely benign (1 of 4 stars; one submission).

Allele frequency attached by ClinVar (database versions not stated): gnomAD exomes below 0.00001; gnomAD 0.00002; TOPMed 0.00003.
gnomAD v4.1: 7 of 1,164,614 alleles (0.0006%); highest among the groups gnomAD compares: Non-Finnish European, 0.00082%; no homozygotes.

Submission:

CeGaT Center for Human Genetics Tuebingen
Classification: Likely benign. Last evaluated: 2024-04-01. Review status: criteria provided, single submitter. Criteria: CeGaT Center For Human Genetics Tuebingen Variant Classification Criteria Version 2. Collection method: clinical testing. Allele origin: germline. Affected: yes. Observed: 1 variant allele.
Comment: SMS: BP4, BP7

NM_004595.5(SMS):c.1044C>A (p.Val348=)

Gene: SMS (spermine synthase; plus strand). Cytogenetic location: Xp22.11.
Variant type: single nucleotide variant.
Coding change: c.1044C>A on transcript NM_004595.5 (MANE Select); coding-DNA position 1044, C replaced by A.
Protein change: p.Val348=; no amino-acid change (valine 348 retained).
Molecular consequence: synonymous variant.
Genome position (GRCh38, 1-based): chrX:21,992,695, C>A. VCF-style: chrX-21992695-C-A. GRCh37 (hg19) VCF-style: chrX-22010813-C-A.
Other names: c.885C>A, p.Val295= (NM_001258423.2).
Identifiers: ClinVar variation 3234483 (VCV003234483.20), dbSNP rs1381745137, ClinGen allele CA515424119.